The following continues an entry in ClinVar:

NM_017950.4(CCDC40):c.248del (p.Ala83fs)

Gene: CCDC40. ClinVar aggregate classification (germline): Pathogenic. Pathogenic (23).

Submissions 17 to 26 of 26:

Institute for Clinical Genetics, University Hospital TU Dresden, University Hospital TU Dresden
Classification: Pathogenic. Last evaluated: 2021-11-03. Review status: criteria provided, single submitter. Criteria: ACMG Guidelines, 2015. Collection method: clinical testing. Allele origin: germline.

Johns Hopkins Genomics, Johns Hopkins University
Classification: Pathogenic for Primary ciliary dyskinesia 15. Last evaluated: 2021-04-01. Review status: criteria provided, single submitter. Criteria: ACMG Guidelines, 2015. Collection method: clinical testing. Allele origin: germline.
Comment: CCDC40 c.248delC has been identified in the homozygous or compound heterozygous state in many individuals with primary ciliary dyskinesia 15. This CCDC40 variant (rs397515393) is rare (<0.1%) in a large population dataset (gnomAD: 119/278616 total alleles; 0.04%; no homozygotes) and has been reported in ClinVar (Variation ID: 31069). This frameshift variant is predicted to result in a premature stop codon in exon 3 of 20 likely leading to nonsense-mediated decay and lack of protein production. We consider this variant to be pathogenic.

Cambridge Genomics Laboratory, East Genomic Laboratory Hub, NHS Genomic Medicine Service
Classification: Pathogenic for Primary ciliary dyskinesia. Last evaluated: 2020-01-21. Review status: criteria provided, single submitter. Criteria: ACGS Best Practice Guidelines for Variant Classification in Rare Disease 2020. Collection method: clinical testing. Allele origin: germline. Affected: yes. Observed: 1 variant allele.

UNC Molecular Genetics  Laboratory, University of North Carolina at Chapel Hill
Classification: Pathogenic for Primary ciliary dyskinesia. Last evaluated: 2019-01-15. Review status: criteria provided, single submitter. Criteria: ACMG Guidelines, 2015. Collection method: clinical testing. Allele origin: germline. Affected: yes. Observed: 1 compound heterozygote, 1 homozygote.

Illumina Laboratory Services, Illumina
Classification: Pathogenic for Primary ciliary dyskinesia 15. Last evaluated: 2018-10-04. Review status: criteria provided, single submitter. Criteria: ICSL Variant Classification Criteria 09 May 2019. Collection method: clinical testing. Allele origin: germline.
Comment: Based on the potential impact of frameshift variants and the evidence, the p.Trp77LeufsTer13 variant is classified as likely pathogenic for Desbuquois dysplasia.

Knight Diagnostic Laboratories, Oregon Health and Sciences University
Classification: Pathogenic for Ciliary dyskinesia, primary, 15. Last evaluated: 2018-05-11. Review status: criteria provided, single submitter. Criteria: ACMG Guidelines, 2015. Collection method: clinical testing. Allele origin: germline. Observed: 1 variant allele.

Eurofins Ntd Llc (ga)
Classification: Pathogenic. Last evaluated: 2015-09-14. Review status: criteria provided, single submitter. Criteria: EGL Classification Definitions 2015. Collection method: clinical testing. Allele origin: germline. Observed: 2 variant alleles, 1 heterozygote.

Yale Center for Mendelian Genomics, Yale University
Classification: Likely pathogenic for Primary ciliary dyskinesia. Last evaluated: 2018-08-01. Review status: no assertion criteria provided. Collection method: literature only. Allele origin: germline. Affected: yes. Observed: 2 compound heterozygotes. Study: Yale Center for Mendelian Genomics. Not counted in ClinVar's aggregate classification.

OMIM
Classification: Pathogenic for CILIARY DYSKINESIA, PRIMARY, 15. Last evaluated: 2013-03-01. Review status: no assertion criteria provided. Collection method: literature only. Allele origin: germline. Not counted in ClinVar's aggregate classification.

GeneReviews
Classification: Pathogenic for Primary Ciliary Dyskinesia. Last evaluated: 2011-09-15. Review status: no assertion criteria provided. Collection method: curation. Allele origin: unknown. Not counted in ClinVar's aggregate classification.
ClinVar note: Converted during submission from pathologic to Pathogenic.

Literature cited by the submitters: PubMed 21131974 (cited by 10 submitters); PubMed 22693285 (cited by Labcorp Genetics (formerly Invitae), Labcorp and Dasa); PubMed 23255504 (cited by 8 submitters); PubMed 25619595 (cited by Labcorp Genetics (formerly Invitae), Labcorp); PubMed 36873931 (cited by Mayo Clinic Laboratories, Mayo Clinic and Dasa); PubMed 39056782 (cited by Ambry Genetics); PubMed 22499950 (cited by 3 submitters); PubMed 23891469 (cited by Laboratory for Molecular Medicine, Mass General Brigham Personalized Medicine and AiLife Diagnostics); PubMed 31772028 (cited by AiLife Diagnostics); PubMed 31589614 (cited by AiLife Diagnostics); PubMed 31879361 (cited by AiLife Diagnostics); PubMed 31980526 (cited by AiLife Diagnostics); PubMed 23261302 (cited by UNC Molecular Genetics  Laboratory, University of North Carolina at Chapel Hill); PubMed 30067075 (cited by Yale Center for Mendelian Genomics, Yale University).